The following is an entry in ClinVar:

NM_003309.4(TSPYL1):c.725_726del (p.Val242fs)

Genes: DSE (dermatan sulfate epimerase; plus strand), TSPYL1 (TSPY like 1; minus strand). Cytogenetic location: 6q22.1.
Variant type: Microsatellite.
Coding change: c.725_726del on transcript NM_003309.4 (MANE Select); coding-DNA positions 725 to 726, 2 bases deleted (TG; older notation c.725_726delTG).
Protein change: p.Val242fs; shifts the reading frame from valine 242.
Molecular consequence: frameshift variant. On other transcripts: intron variant (6).
Genome position (GRCh38, 1-based): chr6:116,279,105-116,279,106, CA deleted on the plus strand (TG on the coding strand, the reverse complement: TSPYL1 is on the minus strand); deleting any 2 consecutive bases within chr6:116,279,105-116,279,108 gives the same sequence; the c. name uses the placement nearest the transcript's 3' end. VCF-style (leftmost placement, unchanged base first): chr6-116279104-TCA-T. GRCh37 (hg19) VCF-style: chr6-116600267-TCA-T.
Other names: c.725_726del (NM_003309.3); c.725_726delTG (NM_003309.3); c.-954+20140_-954+20141del (NM_001374520.1); c.-54+20140_-54+20141del (NM_001322937.2, NM_001322938.2, NM_001374522.1); c.-641+20140_-641+20141del (NM_001374521.1); c.-611+20140_-611+20141del (NM_001322940.2); short protein forms V242fs.
Identifiers: ClinVar variation 805870 (VCV000805870.8), dbSNP rs775957625, ClinGen allele CA3969227.

ClinVar aggregate classification (germline): Pathogenic/Likely pathogenic. Review status: criteria provided, multiple submitters, no conflicts (2 of 4 stars). 5 submissions from 5 submitters: Pathogenic (2); Likely pathogenic (1). 2 of the submissions do not count toward it. Last evaluated 2024-09-22.

Conditions:
Sudden infant death-dysgenesis of the testes syndrome. Identifiers: Orphanet 168593, MedGen C1837371, MONDO:0012124, OMIM 608800.

Submissions (5):

Genomic Medicine Center of Excellence, King Faisal Specialist Hospital and Research Centre
Classification: Pathogenic for Sudden infant death-dysgenesis of the testes syndrome. Last evaluated: 2024-09-22. Review status: criteria provided, single submitter. Criteria: ACMG Guidelines, 2015. Collection method: clinical testing. Allele origin: germline.

Equipe Genetique des Anomalies du Developpement, Université de Bourgogne
Classification: Likely pathogenic for Sudden infant death-dysgenesis of the testes syndrome. Last evaluated: 2020-05-14. Review status: criteria provided, single submitter. Criteria: ACMG Guidelines, 2015. Collection method: clinical testing. Allele origin: inherited. Affected: yes.
Comment: compound heterozygous c.[725_726del;236del]

Baylor Genetics
Classification: Pathogenic for Sudden infant death-dysgenesis of the testes syndrome. Last evaluated: 2019-05-17. Review status: criteria provided, single submitter. Criteria: ACMG Guidelines, 2015. Collection method: clinical testing. Allele origin: maternal. Affected: yes.
Comment: This variant was determined to be pathogenic according to ACMG Guidelines, 2015 [PMID:25741868].

OMIM
Classification: Pathogenic for SUDDEN INFANT DEATH WITH DYSGENESIS OF THE TESTES SYNDROME. Last evaluated: 2021-10-21. Review status: no assertion criteria provided. Collection method: literature only. Allele origin: germline. Not counted in ClinVar's aggregate classification.

Department of Molecular and Human Genetics, Baylor College of Medicine
Classification: Pathogenic for Sudden infant death-dysgenesis of the testes syndrome. Last evaluated: 2020-01-10. Review status: no assertion criteria provided. Collection method: clinical testing. Allele origin: inherited. Inheritance: Autosomal recessive inheritance. Affected: yes. Observed: 1 homozygote. Not counted in ClinVar's aggregate classification.

Literature cited by the submitters: PubMed 32885560 (cited by OMIM).